The following is an entry in ClinVar:

NM_000285.4(PEPD):c.818+2T>G

Gene: PEPD (peptidase D; minus strand). Cytogenetic location: 19q13.11.
Variant type: single nucleotide variant.
Coding change: c.818+2T>G on transcript NM_000285.4 (MANE Select); the canonical splice donor site of the intron after coding-DNA position 818, T replaced by G.
Molecular consequence: splice donor variant.
Genome position (GRCh38, 1-based): chr19:33,411,670, A>C on the plus strand (T>G on the coding strand, the complement: PEPD is on the minus strand). VCF-style: chr19-33411670-A-C. GRCh37 (hg19) VCF-style: chr19-33902576-A-C.
Other names: c.626+2T>G (NM_001166057.2); c.695+2T>G (NM_001166056.2).
Identifiers: ClinVar variation 2630874 (VCV002630874.4), dbSNP rs2513410026, ClinGen allele CA405226099.

ClinVar aggregate classification (germline): Likely pathogenic. Review status: criteria provided, multiple submitters, no conflicts (2 of 4 stars). 2 submissions from 2 submitters: Likely pathogenic (2). Last evaluated 2023-09-29.

Conditions:
PEPD-related disorder. Also called: PEPD-related condition.

Allele frequency attached by ClinVar (database versions not stated): gnomAD exomes below 0.00001.
gnomAD v4.1: 7 of 1,582,916 alleles (0.00044%); highest among the groups gnomAD compares: Non-Finnish European, 0.00052%; no homozygotes.

Submissions (2):

Labcorp Genetics (formerly Invitae), Labcorp
Classification: Likely pathogenic. Last evaluated: 2023-09-29. Review status: criteria provided, single submitter. Criteria: Invitae Variant Classification Sherloc (09022015). Collection method: clinical testing. Allele origin: germline.
Comment: This sequence change affects a donor splice site in intron 11 of the PEPD gene. It is expected to disrupt RNA splicing. Variants that disrupt the donor or acceptor splice site typically lead to a loss of protein function (PMID: 16199547), and loss-of-function variants in PEPD are known to be pathogenic (PMID: 8198124, 10721675, 12384772, 17142620). This variant is not present in population databases (gnomAD no frequency). This variant has not been reported in the literature in individuals affected with PEPD-related conditions. Algorithms developed to predict the effect of sequence changes on RNA splicing suggest that this variant may disrupt the consensus splice site. In summary, the currently available evidence indicates that the variant is pathogenic, but additional data are needed to prove that conclusively. Therefore, this variant has been classified as Likely Pathogenic.

PreventionGenetics, part of Exact Sciences
Classification: Likely pathogenic for PEPD-related condition. Last evaluated: 2023-09-17. Review status: criteria provided, single submitter. Criteria: ACMG Guidelines, 2015. Collection method: clinical testing. Allele origin: germline.
Comment: The PEPD c.818+2T>G variant is predicted to disrupt the GT donor site and interfere with normal splicing. To our knowledge, this variant has not been reported in the literature or in a large population database, indicating this variant is rare. Of note, another variant impacting the same splice site (c.818+1G>C, reported as IVS11+1G>C) was reported, along with a loss of function variant in PEPD, in an individual with prolidase deficiency (Case 3, Forlino et al. 2002. PubMed ID: 12384772). Of note, a functional study showed that variant lead to skipping of exon 11. Variants that disrupt the consensus splice donor site in PEPD are expected to be pathogenic. Taken together, the c.818+2T>G variant is interpreted as likely pathogenic.

Literature cited by the submitters: PubMed 16199547 (cited by Labcorp Genetics (formerly Invitae), Labcorp); PubMed 8198124 (cited by Labcorp Genetics (formerly Invitae), Labcorp); PubMed 10721675 (cited by Labcorp Genetics (formerly Invitae), Labcorp); PubMed 12384772 (cited by Labcorp Genetics (formerly Invitae), Labcorp); PubMed 17142620 (cited by Labcorp Genetics (formerly Invitae), Labcorp).